The following is an entry in ClinVar:

ClinVar aggregate classification (germline): Pathogenic (1 of 4 stars; one submission).

Conditions:
Congenital factor V deficiency. Also called: LABILE FACTOR DEFICIENCY; OWREN PARAHEMOPHILIA; PARAHEMOPHILIA; Hereditary factor V deficiency disease. Identifiers: Orphanet 326, MedGen C0015499, MONDO:0009210, OMIM 227400.

Allele frequency attached by ClinVar (database versions not stated): TOPMed below 0.00001.

Submission:

Labcorp Genetics (formerly Invitae), Labcorp
Classification: Pathogenic for Congenital factor V deficiency. Last evaluated: 2023-06-09. Review status: criteria provided, single submitter. Criteria: Invitae Variant Classification Sherloc (09022015). Collection method: clinical testing. Allele origin: germline.
Comment: For these reasons, this variant has been classified as Pathogenic. This variant has not been reported in the literature in individuals affected with F5-related conditions. This variant is not present in population databases (gnomAD no frequency). This sequence change creates a premature translational stop signal (p.Glu200Glyfs*8) in the F5 gene. It is expected to result in an absent or disrupted protein product. Loss-of-function variants in F5 are known to be pathogenic (PMID: 30924984).

Literature cited by the submitters: PubMed 30924984.

NM_000130.5(F5):c.597_598del (p.Glu200fs)

Gene: F5 (coagulation factor V; minus strand). Cytogenetic location: 1q24.2.
Variant type: Deletion.
Coding change: c.597_598del on transcript NM_000130.5 (MANE Select); coding-DNA positions 597 to 598, 2 bases deleted (TG; older notation c.597_598delTG).
Protein change: p.Glu200fs; shifts the reading frame from glutamic acid 200.
Molecular consequence: frameshift variant.
Genome position (GRCh38, 1-based): chr1:169,559,285-169,559,286, CA deleted on the plus strand (TG on the coding strand, the reverse complement: F5 is on the minus strand). VCF-style (leftmost placement, unchanged base first): chr1-169559284-TCA-T. GRCh37 (hg19) VCF-style: chr1-169528522-TCA-T.
Other names: short protein forms E200fs.
Identifiers: ClinVar variation 2904412 (VCV002904412.3), dbSNP rs1660404789, ClinGen allele CA1206151212.